The following is an entry in ClinVar:

ClinVar aggregate classification (germline): Conflicting classifications of pathogenicity. Review status: criteria provided, conflicting classifications (1 of 4 stars). 8 submissions from 8 submitters: Uncertain significance (1); Benign (1); Likely benign (5). 1 of the submissions does not count toward it. Last evaluated 2026-04-01.

Conditions:
Nemaline myopathy 2 (NEM2). Also called: Nemaline myopathy 2, autosomal recessive. Identifiers: MedGen C1850569, MONDO:0009725, OMIM 256030.

Allele frequency attached by ClinVar (database versions not stated): ESP Exome Variant Server 0.00058; 1000 Genomes Project 0.00060; ExAC 0.00076; gnomAD exomes 0.00095 and 0.00115; gnomAD 0.00110 and 0.00112; TOPMed 0.00130.
gnomAD v4.1: 1,838 of 1,599,154 alleles (0.11%); highest among the groups gnomAD compares: Admixed American, 0.32%; 1 homozygote.

Submissions (8):

CeGaT Center for Human Genetics Tuebingen
Classification: Likely benign. Last evaluated: 2026-04-01. Review status: criteria provided, single submitter. Criteria: CeGaT Center For Human Genetics Tuebingen Variant Classification Criteria Version 2. Collection method: clinical testing. Allele origin: germline. Affected: yes. Observed: 2 variant alleles.
Comment: NEB: BP4, BP7

Labcorp Genetics (formerly Invitae), Labcorp
Classification: Likely benign for Nemaline myopathy 2. Last evaluated: 2026-02-01. Review status: criteria provided, single submitter. Criteria: Invitae Variant Classification Sherloc (09022015). Collection method: clinical testing. Allele origin: germline.

Mayo Clinic Laboratories, Mayo Clinic
Classification: Likely benign. Last evaluated: 2025-10-21. Review status: criteria provided, single submitter. Criteria: ACMG Guidelines, 2015. Collection method: clinical testing. Allele origin: germline. Observed: 2 variant alleles.
Comment: BP4, BP7

Blueprint Genetics
Classification: Likely benign. Last evaluated: 2024-11-06. Review status: criteria provided, single submitter. Criteria: ACMG Guidelines, 2015. Collection method: clinical testing. Allele origin: germline.

GeneDx
Classification: Likely benign. Last evaluated: 2020-05-26. Review status: criteria provided, single submitter. Criteria: GeneDx Variant Classification Process June 2021. Collection method: clinical testing. Allele origin: germline. Affected: yes.

Athena Diagnostics
Classification: Benign. Last evaluated: 2018-04-27. Review status: criteria provided, single submitter. Criteria: Athena Diagnostics Criteria. Collection method: clinical testing. Allele origin: germline.

Illumina Laboratory Services, Illumina
Classification: Uncertain significance for Nemaline myopathy 2. Last evaluated: 2018-01-13. Review status: criteria provided, single submitter. Criteria: ICSL Variant Classification Criteria 13 December 2019. Collection method: clinical testing. Allele origin: germline.

Natera, Inc.
Classification: Likely benign for Nemaline myopathy type 2. Last evaluated: 2019-11-11. Review status: no assertion criteria provided. Collection method: clinical testing. Allele origin: germline. Not counted in ClinVar's aggregate classification.

NM_001164508.2(NEB):c.177G>A (p.Gln59=)

Gene: NEB (nebulin; minus strand). Cytogenetic location: 2q23.3.
Variant type: single nucleotide variant.
Coding change: c.177G>A on transcript NM_001164508.2 (MANE Select); coding-DNA position 177, G replaced by A.
Protein change: p.Gln59=; no amino-acid change (glutamine 59 retained).
Molecular consequence: synonymous variant.
Genome position (GRCh38, 1-based): chr2:151,727,808, C>T on the plus strand (G>A on the coding strand, the complement: NEB is on the minus strand). VCF-style: chr2-151727808-C-T. GRCh37 (hg19) VCF-style: chr2-152584322-C-T.
Other names: p.Gln59=; c.177G>A, p.Gln59= (NM_001164507.2, NM_001271208.2, NM_004543.5).
Identifiers: ClinVar variation 331542 (VCV000331542.95), dbSNP rs200990309, ClinGen allele CA1911981.
Genomic context (GRCh38, chr2:151,727,808, plus strand): 5'-TGAAGGATCCACTTTCTTCCGGATGACCTTCCTCCTCTCCACCGGCTTTGCTGATGCTGG[C>T]TGTGCCAGTGCTGGCTGTGCCAGAGCTGGTTTGGAAGTTTCTGATTGCTCATAGTCAGAT-3'
Protein context (NP_001157980.2, residues 49-69): KPALAQPALA[Gln59=]PASAKPVERR